The following is an entry in ClinVar:

ClinVar aggregate classification (germline): Conflicting classifications of pathogenicity. Review status: criteria provided, conflicting classifications (1 of 4 stars). 2 submissions from 2 submitters: Uncertain significance (1); Benign (1). Last evaluated 2026-09-11.

Conditions:
PIEZO1-related disorder. Also called: PIEZO1-related condition; PIEZO1-Related Disorders.

Allele frequency attached by ClinVar (database versions not stated): TOPMed 0.00006.

Submissions (2):

PreventionGenetics, part of Exact Sciences
Classification: Uncertain significance for PIEZO1-related condition. Last evaluated: 2026-09-11. Review status: criteria provided, single submitter. Criteria: ACMG Guidelines, 2015. Collection method: clinical testing. Allele origin: germline.
Comment: The PIEZO1 c.5218G>A variant is predicted to result in the amino acid substitution p.Ala1740Thr. To our knowledge, this variant has not been reported in the literature. This variant is reported in 0.017% of alleles in individuals of European (Non-Finnish) descent in gnomAD. At this time, the clinical significance of this variant is uncertain due to the absence of conclusive functional and genetic evidence.

Labcorp Genetics (formerly Invitae), Labcorp
Classification: Benign. Last evaluated: 2024-12-19. Review status: criteria provided, single submitter. Criteria: Invitae Variant Classification Sherloc (09022015). Collection method: clinical testing. Allele origin: germline.

NM_001142864.4(PIEZO1):c.5218G>A (p.Ala1740Thr)

Gene: PIEZO1 (piezo type mechanosensitive ion channel component 1 (Er blood group); minus strand). Cytogenetic location: 16q24.3.
Variant type: single nucleotide variant.
Coding change: c.5218G>A on transcript NM_001142864.4 (MANE Select); coding-DNA position 5218, G replaced by A.
Protein change: p.Ala1740Thr; replaces alanine 1740 with threonine.
Molecular consequence: missense variant.
Genome position (GRCh38, 1-based): chr16:88,721,723, C>T on the plus strand (G>A on the coding strand, the complement: PIEZO1 is on the minus strand). VCF-style: chr16-88721723-C-T. GRCh37 (hg19) VCF-style: chr16-88788131-C-T.
Other names: c.3760G>A, p.Ala1254Thr (NM_014745.1); short protein forms A1254T, A1740T.
Identifiers: ClinVar variation 2634498 (VCV002634498.4), dbSNP rs942498680, ClinGen allele CA286409619.